The following is an entry in ClinVar:

ClinVar aggregate classification (germline): Uncertain significance. Review status: criteria provided, multiple submitters, no conflicts (2 of 4 stars). 2 submissions from 2 submitters: Uncertain significance (2). Last evaluated 2025-09-18.

Conditions:
Ehlers-Danlos syndrome, classic type, 2 (EDSCL2). Also called: Ehlers-Danlos syndrome, type 2; Ehlers-Danlos syndrome type 2 (formerly); Ehlers-Danlos Syndrome, Classic Type, COL5A2-Related. Identifiers: Orphanet 287, Orphanet 90318, MedGen C0268336, MONDO:0019568, OMIM 130010.
Ehlers-Danlos syndrome, classic type, 1 (EDSCL1). Also called: EHLERS-DANLOS SYNDROME, GRAVIS TYPE; EHLERS-DANLOS SYNDROME, SEVERE CLASSIC TYPE; Ehlers-Danlos syndrome, type 1; EDS I; Ehlers-Danlos Syndrome, Classic Type, COL5A1-Related. Identifiers: MedGen C0268335, MONDO:0019567, OMIM 130000.

Submissions (2):

3billion
Classification: Uncertain significance for Ehlers-Danlos syndrome, classic type, 2. Last evaluated: 2025-09-18. Review status: criteria provided, single submitter. Criteria: ACMG Guidelines, 2015. Collection method: clinical testing. Allele origin: germline. Affected: yes.
Comment: The variant is not observed in the gnomAD v4.1.0 dataset. Predicted Consequence/Location: Missense variant In silico tool predictions suggest damaging effect of the variant on gene or gene product [REVEL: 0.99 (>=0.6, sensitivity 0.68 and specificity 0.92)]. The variant has been reported as of uncertain significance (ClinVar ID: VCV002114028). Different missense changes at the same codon have been reported as of uncertain significance (ClinVar ID: VCV002826359). Therefore, this variant is classified as VUS according to the recommendation of ACMG/AMP guideline.

Labcorp Genetics (formerly Invitae), Labcorp
Classification: Uncertain significance for Ehlers-Danlos syndrome, classic type, 1. Last evaluated: 2022-03-18. Review status: criteria provided, single submitter. Criteria: Invitae Variant Classification Sherloc (09022015). Collection method: clinical testing. Allele origin: germline.
Comment: This sequence change replaces glycine, which is neutral and non-polar, with aspartic acid, which is acidic and polar, at codon 1212 of the COL5A2 protein (p.Gly1212Asp). This variant is not present in population databases (gnomAD no frequency). This variant has not been reported in the literature in individuals affected with COL5A2-related conditions. Algorithms developed to predict the effect of missense changes on protein structure and function are either unavailable or do not agree on the potential impact of this missense change (SIFT: "Deleterious"; PolyPhen-2: "Not Available"; Align-GVGD: "Class C0"). In summary, the available evidence is currently insufficient to determine the role of this variant in disease. Therefore, it has been classified as a Variant of Uncertain Significance.

NM_000393.5(COL5A2):c.3635G>A (p.Gly1212Asp)

Gene: COL5A2 (collagen type V alpha 2 chain; minus strand). Cytogenetic location: 2q32.2.
Variant type: single nucleotide variant.
Coding change: c.3635G>A on transcript NM_000393.5 (MANE Select); coding-DNA position 3635, G replaced by A.
Protein change: p.Gly1212Asp; replaces glycine 1212 with aspartic acid.
Molecular consequence: missense variant.
Genome position (GRCh38, 1-based): chr2:189,039,562, C>T on the plus strand (G>A on the coding strand, the complement: COL5A2 is on the minus strand). VCF-style: chr2-189039562-C-T. GRCh37 (hg19) VCF-style: chr2-189904288-C-T.
Other names: short protein forms G1212D.
Identifiers: ClinVar variation 2114028 (VCV002114028.5), dbSNP rs2469222025, ClinGen allele CA349858189.